The following is an entry in ClinVar:

NM_000059.4(BRCA2):c.1482_1486del (p.Ala495fs)

Gene: BRCA2 (BRCA2 DNA repair associated; plus strand). Cytogenetic location: 13q13.1.
Variant type: Deletion.
Coding change: c.1482_1486del on transcript NM_000059.4 (MANE Select); coding-DNA positions 1482 to 1486, 5 bases deleted (GGCTT; older notation c.1482_1486delGGCTT).
Protein change: p.Ala495fs; shifts the reading frame from alanine 495.
Molecular consequence: frameshift variant.
Genome position (GRCh38, 1-based): chr13:32,332,960-32,332,964, GGCTT deleted; deleting any 5 consecutive bases within chr13:32,332,959-32,332,964 gives the same sequence; the c. name uses the placement nearest the transcript's 3' end. VCF-style (leftmost placement, unchanged base first): chr13-32332958-GTGGCT-G. GRCh37 (hg19) VCF-style: chr13-32907095-GTGGCT-G.
Other names: 1709del5; short protein forms A495fs.
Identifiers: ClinVar variation 266638 (VCV000266638.3), dbSNP rs886040368, ClinGen allele CA10589097.

ClinVar aggregate classification (germline): Pathogenic (3 of 4 stars; one submission).

Conditions:
Breast-ovarian cancer, familial, susceptibility to, 2 (BROVCA2). Also called: BRCA2 Hereditary Breast and Ovarian Cancer. Identifiers: Orphanet 145, MedGen C2675520, MONDO:0012933, OMIM 612555. Disease mechanism: loss of function.

Submission:

Evidence-based Network for the Interpretation of Germline Mutant Alleles (ENIGMA)
Classification: Pathogenic for Breast-ovarian cancer, familial, susceptibility to, 2. Last evaluated: 2016-10-18. Review status: reviewed by expert panel. Criteria: ENIGMA BRCA1/2 Classification Criteria (2015). Collection method: curation. Allele origin: germline.
Comment: Variant allele predicted to encode a truncated non-functional protein.